The following is an entry in ClinVar:

ClinVar aggregate classification (germline): Likely benign (1 of 4 stars; one submission).

Allele frequency attached by ClinVar (database versions not stated): ExAC 0.00007.
gnomAD v4.1: 153 of 1,613,878 alleles (0.0095%); highest among the groups gnomAD compares: Middle Eastern, 0.15%; no homozygotes.

Submission:

CeGaT Center for Human Genetics Tuebingen
Classification: Likely benign. Last evaluated: 2022-04-01. Review status: criteria provided, single submitter. Criteria: CeGaT Center For Human Genetics Tuebingen Variant Classification Criteria Version 2. Collection method: clinical testing. Allele origin: germline. Affected: yes. Observed: 1 variant allele.
Comment: COL6A6: BP4, BP7

NM_001102608.3(COL6A6):c.471C>T (p.Asp157=)

Gene: COL6A6 (collagen type VI alpha 6 chain; plus strand). Cytogenetic location: 3q22.1.
Variant type: single nucleotide variant.
Coding change: c.471C>T on transcript NM_001102608.3 (MANE Select); coding-DNA position 471, C replaced by T.
Protein change: p.Asp157=; no amino-acid change (aspartic acid 157 retained).
Molecular consequence: synonymous variant.
Genome position (GRCh38, 1-based): chr3:130,563,474, C>T. VCF-style: chr3-130563474-C-T. GRCh37 (hg19) VCF-style: chr3-130282318-C-T.
Identifiers: ClinVar variation 2654137 (VCV002654137.24), dbSNP rs748065583, ClinGen allele CA2611934.